The following is an entry in ClinVar:

NM_019032.6(ADAMTSL4):c.1388G>C (p.Gly463Ala)

Genes: ADAMTSL4 (ADAMTS like 4; plus strand), ADAMTSL4-AS2 (ADAMTSL4 antisense RNA 2; minus strand). Cytogenetic location: 1q21.2.
Variant type: single nucleotide variant.
Coding change: c.1388G>C on transcript NM_019032.6 (MANE Select); coding-DNA position 1388, G replaced by C.
Protein change: p.Gly463Ala; replaces glycine 463 with alanine.
Molecular consequence: missense variant.
Genome position (GRCh38, 1-based): chr1:150,556,178, G>C. VCF-style: chr1-150556178-G-C. GRCh37 (hg19) VCF-style: chr1-150528654-G-C.
Other names: c.1457G>C, p.Gly486Ala (NM_001288607.2, NM_001288608.2); c.1388G>C, p.Gly463Ala (NM_001378596.1, NM_025008.5); short protein forms G463A, G486A.
Identifiers: ClinVar variation 876244 (VCV000876244.7), dbSNP rs1245899863, ClinGen allele CA342308597.

ClinVar aggregate classification (germline): Uncertain significance. Review status: criteria provided, multiple submitters, no conflicts (2 of 4 stars). 5 submissions from 4 submitters: Uncertain significance (5). Last evaluated 2024-01-22.

Conditions:
Ectopia lentis et pupillae. Also called: ECTOPIA LENTIS WITH ECTOPIA OF PUPIL. Identifiers: Orphanet 1885, MedGen C1644196, MONDO:0009153, OMIM 225200.
Ectopia lentis 2, isolated, autosomal recessive (ECTOL2). Identifiers: Orphanet 1885, MedGen C3541474, MONDO:0009152, OMIM 225100.
Inborn genetic diseases. Identifiers: MedGen C0950123, MeSH D030342.

Allele frequency attached by ClinVar (database versions not stated): TOPMed below 0.00001; gnomAD 0.00001; gnomAD exomes 0.00001.

Submissions (5):

Ambry Genetics
Classification: Uncertain significance for Inborn genetic diseases. Last evaluated: 2024-01-22. Review status: criteria provided, single submitter. Criteria: Ambry Variant Classification Scheme 2023. Collection method: clinical testing. Allele origin: germline.

Genome-Nilou Lab
Classification: Uncertain significance for Ectopia lentis et pupillae. Last evaluated: 2023-04-11. Review status: criteria provided, single submitter. Criteria: ACMG Guidelines, 2015. Collection method: clinical testing. Allele origin: germline. Affected: no.

Genome-Nilou Lab
Classification: Uncertain significance for Ectopia lentis 2, isolated, autosomal recessive. Last evaluated: 2023-04-11. Review status: criteria provided, single submitter. Criteria: ACMG Guidelines, 2015. Collection method: clinical testing. Allele origin: germline. Affected: no.

Labcorp Genetics (formerly Invitae), Labcorp
Classification: Uncertain significance. Last evaluated: 2022-08-05. Review status: criteria provided, single submitter. Criteria: Invitae Variant Classification Sherloc (09022015). Collection method: clinical testing. Allele origin: germline.
Comment: This sequence change replaces glycine, which is neutral and non-polar, with alanine, which is neutral and non-polar, at codon 463 of the ADAMTSL4 protein (p.Gly463Ala). This variant is present in population databases (no rsID available, gnomAD 0.002%). This variant has not been reported in the literature in individuals affected with ADAMTSL4-related conditions. ClinVar contains an entry for this variant (Variation ID: 876244). Algorithms developed to predict the effect of missense changes on protein structure and function (SIFT, PolyPhen-2, Align-GVGD) all suggest that this variant is likely to be disruptive. In summary, the available evidence is currently insufficient to determine the role of this variant in disease. Therefore, it has been classified as a Variant of Uncertain Significance.

Illumina Laboratory Services, Illumina
Classification: Uncertain significance for Ectopia lentis 2, isolated, autosomal recessive. Last evaluated: 2018-01-12. Review status: criteria provided, single submitter. Criteria: ICSL Variant Classification Criteria 13 December 2019. Collection method: clinical testing. Allele origin: germline.